The following is an entry in ClinVar:

ClinVar aggregate classification (germline): Uncertain significance (1 of 4 stars; one submission).

Conditions:
Familial hemophagocytic lymphohistiocytosis 4 (FHL4). Also called: STX11-Related Familial Hemophagocytic Lymphohistiocytosis (STX11-fHLH). Identifiers: Orphanet 540, MedGen C1863728, MONDO:0011336, OMIM 603552.

Submission:

Labcorp Genetics (formerly Invitae), Labcorp
Classification: Uncertain significance for Familial hemophagocytic lymphohistiocytosis 4. Last evaluated: 2021-12-18. Review status: criteria provided, single submitter. Criteria: Invitae Variant Classification Sherloc (09022015). Collection method: clinical testing. Allele origin: germline.
Comment: In summary, the available evidence is currently insufficient to determine the role of this variant in disease. Therefore, it has been classified as a Variant of Uncertain Significance. Algorithms developed to predict the effect of missense changes on protein structure and function output the following: SIFT: "Tolerated"; PolyPhen-2: "Benign"; Align-GVGD: "Class C0". The phenylalanine amino acid residue is found in multiple mammalian species, which suggests that this missense change does not adversely affect protein function. This variant has not been reported in the literature in individuals affected with STX11-related conditions. This variant is not present in population databases (gnomAD no frequency). This sequence change replaces leucine, which is neutral and non-polar, with phenylalanine, which is neutral and non-polar, at codon 247 of the STX11 protein (p.Leu247Phe).

NM_003764.4(STX11):c.739C>T (p.Leu247Phe)

Gene: STX11 (syntaxin 11; plus strand). Cytogenetic location: 6q24.2.
Variant type: single nucleotide variant.
Coding change: c.739C>T on transcript NM_003764.4 (MANE Select); coding-DNA position 739, C replaced by T.
Protein change: p.Leu247Phe; replaces leucine 247 with phenylalanine.
Molecular consequence: missense variant.
Genome position (GRCh38, 1-based): chr6:144,187,366, C>T. VCF-style: chr6-144187366-C-T. GRCh37 (hg19) VCF-style: chr6-144508503-C-T.
Other names: short protein forms L247F.
Identifiers: ClinVar variation 2046510 (VCV002046510.4), dbSNP rs867901339, ClinGen allele CA365949968.